The following is an entry in ClinVar:

NM_030777.4(SLC2A10):c.95C>G (p.Ala32Gly)

Gene: SLC2A10 (solute carrier family 2 member 10; plus strand). Cytogenetic location: 20q13.12.
Variant type: single nucleotide variant.
Coding change: c.95C>G on transcript NM_030777.4 (MANE Select); coding-DNA position 95, C replaced by G.
Protein change: p.Ala32Gly; replaces alanine 32 with glycine.
Molecular consequence: missense variant.
Genome position (GRCh38, 1-based): chr20:46,725,131, C>G. VCF-style: chr20-46725131-C-G. GRCh37 (hg19) VCF-style: chr20-45353770-C-G.
Other names: short protein forms A32G.
Identifiers: ClinVar variation 1912758 (VCV001912758.5), dbSNP rs1488882150, ClinGen allele CA409266333.

ClinVar aggregate classification (germline): Uncertain significance (1 of 4 stars; one submission).

Conditions:
Arterial tortuosity syndrome (ATORS). Identifiers: Orphanet 3342, MedGen C1859726, MONDO:0008818, OMIM 208050.

Allele frequency attached by ClinVar (database versions not stated): TOPMed below 0.00001; gnomAD 0.00001.
gnomAD v4.1: 2 of 1,614,098 alleles (0.00012%); highest among the groups gnomAD compares: Non-Finnish European, 0.00017%; no homozygotes.

Submission:

Labcorp Genetics (formerly Invitae), Labcorp
Classification: Uncertain significance for Arterial tortuosity syndrome. Last evaluated: 2022-04-04. Review status: criteria provided, single submitter. Criteria: Invitae Variant Classification Sherloc (09022015). Collection method: clinical testing. Allele origin: germline.
Comment: Advanced modeling of protein sequence and biophysical properties (such as structural, functional, and spatial information, amino acid conservation, physicochemical variation, residue mobility, and thermodynamic stability) performed at Invitae indicates that this missense variant is expected to disrupt SLC2A10 protein function. This variant has not been reported in the literature in individuals affected with SLC2A10-related conditions. This variant is not present in population databases (gnomAD no frequency). In summary, the available evidence is currently insufficient to determine the role of this variant in disease. Therefore, it has been classified as a Variant of Uncertain Significance. This sequence change replaces alanine, which is neutral and non-polar, with glycine, which is neutral and non-polar, at codon 32 of the SLC2A10 protein (p.Ala32Gly).